The following is an entry in ClinVar:

NM_013352.4(DSE):c.16C>T (p.Arg6Trp)

Gene: DSE (dermatan sulfate epimerase; plus strand). Cytogenetic location: 6q22.1.
Variant type: single nucleotide variant.
Coding change: c.16C>T on transcript NM_013352.4 (MANE Select); coding-DNA position 16, C replaced by T.
Protein change: p.Arg6Trp; replaces arginine 6 with tryptophan.
Molecular consequence: missense variant. On other transcripts: 5 prime UTR variant (4), non-coding transcript variant (1).
Genome position (GRCh38, 1-based): chr6:116,399,266, C>T. VCF-style: chr6-116399266-C-T. GRCh37 (hg19) VCF-style: chr6-116720429-C-T.
Other names: c.16C>T, p.Arg6Trp (NM_001080976.3, NM_001322937.2, NM_001322938.2 and 3 more transcripts); c.73C>T, p.Arg25Trp (NM_001322939.2); c.-542C>T (NM_001322940.2, NM_001322941.2); c.-885C>T (NM_001374520.1); c.-572C>T (NM_001374521.1); c.16C>T (NM_013352.2); short protein forms R6W, R25W.
Identifiers: ClinVar variation 2907716 (VCV002907716.2), dbSNP rs778735094, ClinGen allele CA3969431.

ClinVar aggregate classification (germline): Uncertain significance. Review status: criteria provided, multiple submitters, no conflicts (2 of 4 stars). 2 submissions from 2 submitters: Uncertain significance (2). Last evaluated 2025-07-31.

Conditions:
Ehlers-Danlos syndrome, musculocontractural type 2 (EDSMC2). Identifiers: Orphanet 2953, MedGen C3809845, MONDO:0014236, OMIM 615539.
Inborn genetic diseases. Identifiers: MedGen C0950123, MeSH D030342.

gnomAD v4.1: 18 of 1,613,880 alleles (0.0011%); highest among the groups gnomAD compares: East Asian, 0.0022%; no homozygotes.

Submissions (2):

Ambry Genetics
Classification: Uncertain significance for Inborn genetic diseases. Last evaluated: 2025-07-31. Review status: criteria provided, single submitter. Criteria: Ambry Variant Classification Scheme 2023. Collection method: clinical testing. Allele origin: germline.

Labcorp Genetics (formerly Invitae), Labcorp
Classification: Uncertain significance for Ehlers-Danlos syndrome, musculocontractural type 2. Last evaluated: 2023-08-30. Review status: criteria provided, single submitter. Criteria: Invitae Variant Classification Sherloc (09022015). Collection method: clinical testing. Allele origin: germline.
Comment: This variant has not been reported in the literature in individuals affected with DSE-related conditions. An algorithm developed to predict the effect of missense changes on protein structure and function (PolyPhen-2) suggests that this variant is likely to be disruptive. In summary, the available evidence is currently insufficient to determine the role of this variant in disease. Therefore, it has been classified as a Variant of Uncertain Significance. This variant is present in population databases (rs778735094, gnomAD 0.002%). This sequence change replaces arginine, which is basic and polar, with tryptophan, which is neutral and slightly polar, at codon 6 of the DSE protein (p.Arg6Trp).